The following is an entry in ClinVar:

NM_198586.3(NHLRC1):c.1165G>T (p.Val389Phe)

Gene: NHLRC1 (NHL repeat containing E3 ubiquitin protein ligase 1; minus strand). Cytogenetic location: 6p22.3.
Variant type: single nucleotide variant.
Coding change: c.1165G>T on transcript NM_198586.3 (MANE Select); coding-DNA position 1165, G replaced by T.
Protein change: p.Val389Phe; replaces valine 389 with phenylalanine.
Molecular consequence: missense variant.
Genome position (GRCh38, 1-based): chr6:18,121,442, C>A on the plus strand (G>T on the coding strand, the complement: NHLRC1 is on the minus strand). VCF-style: chr6-18121442-C-A. GRCh37 (hg19) VCF-style: chr6-18121673-C-A.
Other names: short protein forms V389F.
Identifiers: ClinVar variation 662660 (VCV000662660.10), dbSNP rs541460675, ClinGen allele CA3649869.

ClinVar aggregate classification (germline): Uncertain significance. Review status: criteria provided, multiple submitters, no conflicts (2 of 4 stars). 2 submissions from 2 submitters: Uncertain significance (2). Last evaluated 2024-02-06.

Conditions:
Lafora disease. Also called: Epilepsy progressive myoclonic 2; Progressive Myoclonus Epilepsy, Lafora Type. Identifiers: Orphanet 501, MedGen C0751783, MONDO:0009697.
Inborn genetic diseases. Identifiers: MedGen C0950123, MeSH D030342.

Allele frequency attached by ClinVar (database versions not stated): TOPMed 0.00001; gnomAD exomes 0.00002; ExAC 0.00001; gnomAD 0.00001.

Submissions (2):

Ambry Genetics
Classification: Uncertain significance for Inborn genetic diseases. Last evaluated: 2024-02-06. Review status: criteria provided, single submitter. Criteria: Ambry Variant Classification Scheme 2023. Collection method: clinical testing. Allele origin: germline.

Labcorp Genetics (formerly Invitae), Labcorp
Classification: Uncertain significance for Lafora disease. Last evaluated: 2022-08-23. Review status: criteria provided, single submitter. Criteria: Invitae Variant Classification Sherloc (09022015). Collection method: clinical testing. Allele origin: germline.
Comment: This sequence change replaces valine, which is neutral and non-polar, with phenylalanine, which is neutral and non-polar, at codon 389 of the NHLRC1 protein (p.Val389Phe). This variant is present in population databases (rs541460675, gnomAD 0.03%). This variant has not been reported in the literature in individuals affected with NHLRC1-related conditions. ClinVar contains an entry for this variant (Variation ID: 662660). Algorithms developed to predict the effect of missense changes on protein structure and function are either unavailable or do not agree on the potential impact of this missense change (SIFT: "Deleterious"; PolyPhen-2: "Possibly Damaging"; Align-GVGD: "Class C0"). In summary, the available evidence is currently insufficient to determine the role of this variant in disease. Therefore, it has been classified as a Variant of Uncertain Significance.